The following is an entry in ClinVar:

ClinVar aggregate classification (germline): Likely benign (1 of 4 stars; one submission).

Conditions:
PCDH15-related disorder. Also called: PCDH15-related disorders; PCDH15-related condition.

Submission:

PreventionGenetics, part of Exact Sciences
Classification: Likely benign for PCDH15-related condition. Last evaluated: 2025-02-22. Review status: criteria provided, single submitter. Criteria: ACMG Guidelines, 2015. Collection method: clinical testing. Allele origin: germline.
Comment: This variant is classified as likely benign based on ACMG/AMP sequence variant interpretation guidelines (Richards et al. 2015 PMID: 25741868, with internal and published modifications).

NM_001384140.1(PCDH15):c.645G>A (p.Val215=)

Gene: PCDH15 (protocadherin related 15; minus strand). Cytogenetic location: 10q21.1.
Variant type: single nucleotide variant.
Coding change: c.645G>A on transcript NM_001384140.1 (MANE Select); coding-DNA position 645, G replaced by A.
Protein change: p.Val215=; no amino-acid change (valine 215 retained).
Molecular consequence: synonymous variant. On other transcripts: intron variant (1).
Genome position (GRCh38, 1-based): chr10:54,329,656, C>T on the plus strand (G>A on the coding strand, the complement: PCDH15 is on the minus strand). VCF-style: chr10-54329656-C-T. GRCh37 (hg19) VCF-style: chr10-56089416-C-T.
Other names: c.660G>A, p.Val220= (NM_001142763.2, NM_001142769.4, NM_001142771.2); c.645G>A, p.Val215= (NM_001142764.2, NM_001142765.2, NM_001142766.2 and 7 more transcripts); c.579G>A, p.Val193= (NM_001142768.2, NM_001142773.2, NM_001354404.2); c.595-12215G>A (NM_001142767.2).
Identifiers: ClinVar variation 4997956 (VCV004997956.1).